The following is an entry in ClinVar:

ClinVar aggregate classification (germline): Likely benign. Review status: criteria provided, multiple submitters, no conflicts (2 of 4 stars). 3 submissions from 3 submitters: Likely benign (3). Last evaluated 2026-07-14.

Conditions:
VCAN-related disorder. Also called: VCAN-related condition.

Allele frequency attached by ClinVar (database versions not stated): gnomAD exomes below 0.00001.
gnomAD v4.1: 11 of 1,614,082 alleles (0.00068%); highest among the groups gnomAD compares: Middle Eastern, 0.016%; no homozygotes.

Submissions (3):

PreventionGenetics, part of Exact Sciences
Classification: Likely benign for VCAN-related condition. Last evaluated: 2026-07-14. Review status: criteria provided, single submitter. Criteria: ACMG Guidelines, 2015. Collection method: clinical testing. Allele origin: germline.
Comment: This variant is classified as likely benign based on ACMG/AMP sequence variant interpretation guidelines (Richards et al. 2015 PMID: 25741868, with internal and published modifications).

Blueprint Genetics
Classification: Likely benign. Last evaluated: 2024-11-06. Review status: criteria provided, single submitter. Criteria: ACMG Guidelines, 2015. Collection method: clinical testing. Allele origin: germline.

Labcorp Genetics (formerly Invitae), Labcorp
Classification: Likely benign. Last evaluated: 2021-07-31. Review status: criteria provided, single submitter. Criteria: Invitae Variant Classification Sherloc (09022015). Collection method: clinical testing. Allele origin: germline.

NM_004385.5(VCAN):c.6942C>T (p.Leu2314=)

Genes: VCAN (versican; plus strand), VCAN-AS1 (VCAN antisense RNA 1; minus strand). Cytogenetic location: 5q14.3.
Variant type: single nucleotide variant.
Coding change: c.6942C>T on transcript NM_004385.5 (MANE Select); coding-DNA position 6942, C replaced by T.
Protein change: p.Leu2314=; no amino-acid change (leucine 2314 retained).
Molecular consequence: synonymous variant. On other transcripts: intron variant (2).
Genome position (GRCh38, 1-based): chr5:83,539,945, C>T. VCF-style: chr5-83539945-C-T. GRCh37 (hg19) VCF-style: chr5-82835764-C-T.
Other names: c.6942C>T (NM_004385.4); c.3981C>T, p.Leu1327= (NM_001164097.2); c.4004-5592C>T (NM_001164098.2); c.1043-5592C>T (NM_001126336.3).
Identifiers: ClinVar variation 1640062 (VCV001640062.10), dbSNP rs867330334, ClinGen allele CA121810606.